The following is an entry in ClinVar:

NM_016204.4(GDF2):c.180G>C (p.Glu60Asp)

Gene: GDF2 (growth differentiation factor 2; plus strand). Cytogenetic location: 10q11.22.
Variant type: single nucleotide variant.
Coding change: c.180G>C on transcript NM_016204.4 (MANE Select); coding-DNA position 180, G replaced by C.
Protein change: p.Glu60Asp; replaces glutamic acid 60 with aspartic acid.
Molecular consequence: missense variant.
Genome position (GRCh38, 1-based): chr10:47,322,848, G>C. VCF-style: chr10-47322848-G-C. GRCh37 (hg19) VCF-style: chr10-48416514-C-G.
Other names: c.180G>C (NM_016204.1); short protein forms E60D.
Identifiers: ClinVar variation 4813377 (VCV004813377.2).

ClinVar aggregate classification (germline): Uncertain significance. Review status: criteria provided, multiple submitters, no conflicts (2 of 4 stars). 2 submissions from 2 submitters: Uncertain significance (2). Last evaluated 2026-09-14.

Conditions:
Cardiovascular phenotype. Identifiers: MedGen CN230736.

gnomAD v4.1: 20 of 1,614,162 alleles (0.0012%); highest among the groups gnomAD compares: Non-Finnish European, 0.0016%; no homozygotes.

Submissions (2):

Ambry Genetics
Classification: Uncertain significance for Cardiovascular phenotype. Last evaluated: 2026-09-14. Review status: criteria provided, single submitter. Criteria: Ambry Variant Classification Scheme 2023. Collection method: clinical testing. Allele origin: germline.

GeneDx
Classification: Uncertain significance. Last evaluated: 2025-09-11. Review status: criteria provided, single submitter. Criteria: GeneDx Variant Classification Process June 2021. Collection method: clinical testing. Allele origin: germline. Affected: yes.
Comment: Not observed at significant frequency in large population cohorts (gnomAD); Has not been previously published as pathogenic or benign to our knowledge; In silico analysis does not support a benign or deleterious effect of this variant on protein structure/function